The following is an entry in ClinVar:

ClinVar aggregate classification (germline): Uncertain significance. Review status: criteria provided, multiple submitters, no conflicts (2 of 4 stars). 5 submissions from 5 submitters: Uncertain significance (4). 1 of the submissions does not count toward it. Last evaluated 2026-06-24.

Conditions:
CDHR1-related disorder. Also called: CDHR1-related condition.
Retinal dystrophy. Also called: Inherited retinal dystrophy. Identifiers: Orphanet 71862, MedGen C0854723, MeSH D058499, MONDO:0019118, HP:0000556.
Cone-rod dystrophy 15 (CORD15). Identifiers: MedGen C3150912, MONDO:0013348, OMIM 613660.

Allele frequency attached by ClinVar (database versions not stated): ExAC 0.00015; ESP Exome Variant Server 0.00015; gnomAD 0.00016; gnomAD exomes 0.00016 and 0.00020; TOPMed 0.00016.
gnomAD v4.1: 320 of 1,614,128 alleles (0.02%); highest among the groups gnomAD compares: Non-Finnish European, 0.025%; no homozygotes.

Submissions (5):

PreventionGenetics, part of Exact Sciences
Classification: Uncertain significance for CDHR1-related condition. Last evaluated: 2026-06-24. Review status: criteria provided, single submitter. Criteria: ACMG Guidelines, 2015. Collection method: clinical testing. Allele origin: germline.
Comment: The CDHR1 c.1589C>G variant is predicted to result in the amino acid substitution p.Thr530Ser. To our knowledge, this variant has not been reported in the literature. This variant is reported in 0.030% of alleles in individuals of European (Non-Finnish) descent in gnomAD. At this time, the clinical significance of this variant is uncertain due to the absence of conclusive functional and genetic evidence.

Labcorp Genetics (formerly Invitae), Labcorp
Classification: Uncertain significance. Last evaluated: 2025-10-01. Review status: criteria provided, single submitter. Criteria: Invitae Variant Classification Sherloc (09022015). Collection method: clinical testing. Allele origin: germline.
Comment: This sequence change replaces threonine, which is neutral and polar, with serine, which is neutral and polar, at codon 530 of the CDHR1 protein (p.Thr530Ser). This variant is present in population databases (rs140097244, gnomAD 0.03%). This variant has not been reported in the literature in individuals affected with CDHR1-related conditions. ClinVar contains an entry for this variant (Variation ID: 301245). Invitae Evidence Modeling of protein sequence and biophysical properties (such as structural, functional, and spatial information, amino acid conservation, physicochemical variation, residue mobility, and thermodynamic stability) indicates that this missense variant is not expected to disrupt CDHR1 protein function with a negative predictive value of 80%. Algorithms developed to predict the effect of sequence changes on RNA splicing suggest that this variant may create or strengthen a splice site. In summary, the available evidence is currently insufficient to determine the role of this variant in disease. Therefore, it has been classified as a Variant of Uncertain Significance.

Blueprint Genetics
Classification: Uncertain significance. Last evaluated: 2024-10-21. Review status: criteria provided, single submitter. Criteria: ACMG Guidelines, 2015. Collection method: clinical testing. Allele origin: germline.

Illumina Laboratory Services, Illumina
Classification: Uncertain significance for Cone-rod dystrophy 15. Last evaluated: 2018-01-13. Review status: criteria provided, single submitter. Criteria: ICSL Variant Classification Criteria 13 December 2019. Collection method: clinical testing. Allele origin: germline.

Institute of Human Genetics, Univ. Regensburg, Univ. Regensburg
Classification: Uncertain significance for Retinal dystrophy. Last evaluated: 2021-01-01. Review status: no assertion criteria provided. Criteria: ACMG Guidelines, 2015. Collection method: clinical testing. Allele origin: germline. Affected: yes. Not counted in ClinVar's aggregate classification.

NM_033100.4(CDHR1):c.1589C>G (p.Thr530Ser)

Gene: CDHR1 (cadherin related family member 1; plus strand). Cytogenetic location: 10q23.1.
Variant type: single nucleotide variant.
Coding change: c.1589C>G on transcript NM_033100.4 (MANE Select); coding-DNA position 1589, C replaced by G.
Protein change: p.Thr530Ser; replaces threonine 530 with serine.
Molecular consequence: missense variant.
Genome position (GRCh38, 1-based): chr10:84,212,214, C>G. VCF-style: chr10-84212214-C-G. GRCh37 (hg19) VCF-style: chr10-85971970-C-G.
Other names: c.1589C>G, p.Thr530Ser (NM_001171971.3); short protein forms T530S.
Identifiers: ClinVar variation 301245 (VCV000301245.12), dbSNP rs140097244, ClinGen allele CA5579996.
Genomic context (GRCh38, chr10:84,212,214, plus strand): 5'-CATGCCTATGTGCTCTGCCTGGCAGCTTCCTGATCCACCCATCCACTGGGCTTATCTACA[C>G]CCAGCCCTGGGCTAGCCTGGACGCTGAGGCCACTGCCAGGTACAACTTCTATGTGAAGGC-3'
Protein context (NP_149091.1, residues 520-540): LIHPSTGLIY[Thr530Ser]QPWASLDAEA